The following is an entry in ClinVar:

NM_016148.5(SHANK1):c.1416G>A (p.Ser472=)

Gene: SHANK1 (SH3 and multiple ankyrin repeat domains 1; minus strand). Cytogenetic location: 19q13.33.
Variant type: single nucleotide variant.
Coding change: c.1416G>A on transcript NM_016148.5 (MANE Select); coding-DNA position 1416, G replaced by A.
Protein change: p.Ser472=; no amino-acid change (serine 472 retained).
Molecular consequence: synonymous variant.
Genome position (GRCh38, 1-based): chr19:50,703,637, C>T on the plus strand (G>A on the coding strand, the complement: SHANK1 is on the minus strand). VCF-style: chr19-50703637-C-T. GRCh37 (hg19) VCF-style: chr19-51206894-C-T.
Identifiers: ClinVar variation 3043305 (VCV003043305.2), dbSNP rs373925180, ClinGen allele CA9601871.

ClinVar aggregate classification (germline): Likely benign (0 of 4 stars; one submission).

Conditions:
SHANK1-related disorder. Also called: SHANK1-related condition.

Allele frequency attached by ClinVar (database versions not stated): gnomAD exomes 0.00001; gnomAD 0.00007; ESP Exome Variant Server 0.00008; ExAC 0.00009; TOPMed 0.00014; 1000 Genomes Project 30x 0.00031; 1000 Genomes Project 0.00040.
gnomAD v4.1: 16 of 1,541,456 alleles (0.001%); highest among the groups gnomAD compares: African/African-American, 0.015%; no homozygotes.

Submission:

PreventionGenetics, part of Exact Sciences
Classification: Likely benign for SHANK1-related condition. Last evaluated: 2019-07-01. Review status: no assertion criteria provided. Collection method: clinical testing. Allele origin: germline.
Comment: This variant is classified as likely benign based on ACMG/AMP sequence variant interpretation guidelines (Richards et al. 2015 PMID: 25741868, with internal and published modifications).